The following is an entry in ClinVar:

NM_001205293.3(CACNA1E):c.3422+6C>G

Gene: CACNA1E (calcium voltage-gated channel subunit alpha1 E; plus strand). Cytogenetic location: 1q25.3.
Variant type: single nucleotide variant.
Coding change: c.3422+6C>G on transcript NM_001205293.3 (MANE Select); 6 bases into the intron after coding-DNA position 3422, C replaced by G.
Molecular consequence: intron variant.
Genome position (GRCh38, 1-based): chr1:181,736,440, C>G. VCF-style: chr1-181736440-C-G. GRCh37 (hg19) VCF-style: chr1-181705576-C-G.
Other names: c.3422+6C>G (NM_000721.4); c.3365+6C>G (NM_001205294.2).
Identifiers: ClinVar variation 3906097 (VCV003906097.10).

ClinVar aggregate classification (germline): Uncertain significance (1 of 4 stars; one submission).

gnomAD v4.1: 1 of 1,610,270 alleles (0.000062%); highest among the groups gnomAD compares: Non-Finnish European, 0.000085%; no homozygotes.

Submission:

CeGaT Center for Human Genetics Tuebingen
Classification: Uncertain significance. Last evaluated: 2025-06-01. Review status: criteria provided, single submitter. Criteria: CeGaT Center For Human Genetics Tuebingen Variant Classification Criteria Version 2. Collection method: clinical testing. Allele origin: germline. Affected: yes. Observed: 1 variant allele.
Comment: CACNA1E: PM2, BP4